The following is an entry in ClinVar:

ClinVar aggregate classification (germline): Uncertain significance (1 of 4 stars; one submission).

Submission:

Ambry Genetics
Classification: Uncertain significance. Last evaluated: 2022-03-01. Review status: criteria provided, single submitter. Criteria: Ambry Variant Classification Scheme 2023. Collection method: clinical testing. Allele origin: germline.
Comment: The p.Q981L variant (also known as c.2942A>T), located in coding exon 16 of the POLQ gene, results from an A to T substitution at nucleotide position 2942. The glutamine at codon 981 is replaced by leucine, an amino acid with dissimilar properties. This amino acid position is conserved. In addition, this alteration is predicted to be tolerated by in silico analysis. Since supporting evidence is limited at this time, the clinical significance of this alteration remains unclear.

NM_199420.4(POLQ):c.2942A>T (p.Gln981Leu)

Gene: POLQ (DNA polymerase theta; minus strand). Cytogenetic location: 3q13.33.
Variant type: single nucleotide variant.
Coding change: c.2942A>T on transcript NM_199420.4 (MANE Select); coding-DNA position 2942, A replaced by T.
Protein change: p.Gln981Leu; replaces glutamine 981 with leucine.
Molecular consequence: missense variant.
Genome position (GRCh38, 1-based): chr3:121,489,989, T>A on the plus strand (A>T on the coding strand, the complement: POLQ is on the minus strand). VCF-style: chr3-121489989-T-A. GRCh37 (hg19) VCF-style: chr3-121208836-T-A.
Other names: short protein forms Q981L.
Identifiers: ClinVar variation 1797930 (VCV001797930.2), dbSNP rs2546787996, ClinGen allele CA354103831.